The following is an entry in ClinVar:

NM_002471.4(MYH6):c.4604T>G (p.Leu1535Arg)

Gene: MYH6 (myosin heavy chain 6; minus strand). Cytogenetic location: 14q11.2.
Variant type: single nucleotide variant.
Coding change: c.4604T>G on transcript NM_002471.4 (MANE Select); coding-DNA position 4604, T replaced by G.
Protein change: p.Leu1535Arg; replaces leucine 1535 with arginine.
Molecular consequence: missense variant.
Genome position (GRCh38, 1-based): chr14:23,387,575, A>C on the plus strand (T>G on the coding strand, the complement: MYH6 is on the minus strand). VCF-style: chr14-23387575-A-C. GRCh37 (hg19) VCF-style: chr14-23856784-A-C.
Other names: short protein forms L1535R.
Identifiers: ClinVar variation 263983 (VCV000263983.5), dbSNP rs886039002, ClinGen allele CA10587760.

ClinVar aggregate classification (germline): Uncertain significance (1 of 4 stars; one submission).

Conditions:
Cardiovascular phenotype. Identifiers: MedGen CN230736.

Submission:

Ambry Genetics
Classification: Uncertain significance for Cardiovascular phenotype. Last evaluated: 2015-04-03. Review status: criteria provided, single submitter. Criteria: Ambry Variant Classification Scheme 2023. Collection method: clinical testing. Allele origin: germline.
Comment: The p.L1535R variant (also known as c.4604T>G), located in coding exon 30 of the MYH6 gene, results from a T to G substitution at nucleotide position 4604. The leucine at codon 1535 is replaced by arginine, an amino acid with dissimilar properties. This variant was not reported in population based cohorts in the following databases: Database of Single Nucleotide Polymorphisms (dbSNP), NHLBI Exome Sequencing Project (ESP), and 1000 Genomes Project. In the ESP, this variant was not observed in 6,503 samples (13,006 alleles) with coverage at this position. This amino acid position is well conserved in available vertebrate species, except for chicken and pufferfish. In addition, this alteration is predicted to be deleterious by in silico analysis. Since supporting evidence is limited at this time, the clinical significance of this variant remains unclear.